The following is an entry in ClinVar:

ClinVar aggregate classification (germline): Likely benign. Review status: criteria provided, multiple submitters, no conflicts (2 of 4 stars). 5 submissions from 5 submitters: Likely benign (5). Last evaluated 2024-12-18.

Conditions:
Hereditary cancer-predisposing syndrome. Also called: Hereditary Cancer Syndrome; Tumor predisposition; Neoplastic Syndromes, Hereditary; Hereditary neoplastic syndrome. Identifiers: Orphanet 140162, MedGen C0027672, MeSH D009386, MONDO:0015356.
Breast-ovarian cancer, familial, susceptibility to, 2 (BROVCA2). Also called: BRCA2 Hereditary Breast and Ovarian Cancer. Identifiers: Orphanet 145, MedGen C2675520, MONDO:0012933, OMIM 612555. Disease mechanism: loss of function.
Hereditary breast ovarian cancer syndrome. Also called: Hereditary breast and/or ovarian cancer syndrome; Hereditary breast and ovarian cancer; Hereditary breast and ovarian cancer syndrome (HBOC); Breast and ovarian cancer; BRCA1- and BRCA2-Associated Hereditary Breast and Ovarian Cancer; Hereditary breast and ovarian cancer syndrome. Identifiers: Orphanet 145, MedGen C0677776, MeSH D061325, MONDO:0003582. Disease mechanism: loss of function.

Submissions (5):

Women's Health and Genetics/Laboratory Corporation of America, LabCorp
Classification: Likely benign. Last evaluated: 2024-12-18. Review status: criteria provided, single submitter. Criteria: LabCorp Variant Classification Summary - May 2015. Collection method: clinical testing. Allele origin: germline.
Comment: Variant summary: BRCA2 c.9257-12T>C alters a nucleotide located at a position not widely known to affect splicing. Consensus agreement among computation tools predict no significant impact on normal splicing. However, these predictions have yet to be confirmed by functional studies. The frequency data for this variant in gnomAD is considered unreliable, as metrics indicate poor data quality at this position. c.9257-12T>C has been reported in the literature in individuals affected with Hereditary Breast And Ovarian Cancer Syndrome without strong evidence for causality (Herzog_2021). These report(s) do not provide unequivocal conclusions about association of the variant with Hereditary Breast And Ovarian Cancer Syndrome. To our knowledge, no experimental evidence demonstrating an impact on protein function has been reported. ClinVar contains an entry for this variant (Variation ID: 1177282). Based on the evidence outlined above, the variant was classified as likely benign.

Blueprint Genetics
Classification: Likely benign. Last evaluated: 2024-08-26. Review status: criteria provided, single submitter. Criteria: ACMG Guidelines, 2015. Collection method: clinical testing. Allele origin: germline.

All of Us Research Program, National Institutes of Health
Classification: Likely benign for Breast-ovarian cancer, familial, susceptibility to, 2. Last evaluated: 2023-12-13. Review status: criteria provided, single submitter. Criteria: ACMG Guidelines, 2015. Collection method: clinical testing. Allele origin: germline. Inheritance: Autosomal dominant inheritance. Observed: 1 variant allele, 1 heterozygote.
Comment: This study involves interpretation of variants in research participants for the purpose of population health screening. Participant phenotype was not available at the time of variant classification. Additional details can be found in publication PMID: 35346344, PMCID: PMC8962531

Color Diagnostics, LLC DBA Color Health
Classification: Likely benign for Hereditary cancer-predisposing syndrome. Last evaluated: 2023-11-16. Review status: criteria provided, single submitter. Criteria: ACMG Guidelines, 2015. Collection method: clinical testing. Allele origin: germline.

Labcorp Genetics (formerly Invitae), Labcorp
Classification: Likely benign for Hereditary breast ovarian cancer syndrome. Last evaluated: 2023-01-20. Review status: criteria provided, single submitter. Criteria: Invitae Variant Classification Sherloc (09022015). Collection method: clinical testing. Allele origin: germline.

Literature cited by the submitters: PubMed 34413315 (cited by Women's Health and Genetics/Laboratory Corporation of America, LabCorp).

NM_000059.4(BRCA2):c.9257-12T>C

Gene: BRCA2 (BRCA2 DNA repair associated; plus strand). Cytogenetic location: 13q13.1.
Variant type: single nucleotide variant.
Coding change: c.9257-12T>C on transcript NM_000059.4 (MANE Select); 12 bases into the intron before coding-DNA position 9257, T replaced by C.
Molecular consequence: intron variant.
Genome position (GRCh38, 1-based): chr13:32,394,677, T>C. VCF-style: chr13-32394677-T-C. GRCh37 (hg19) VCF-style: chr13-32968814-T-C.
Identifiers: ClinVar variation 1177282 (VCV001177282.10), dbSNP rs2137651662, ClinGen allele CA2499222375.